The following is an entry in ClinVar:

ClinVar aggregate classification (germline): Uncertain significance (1 of 4 stars; one submission).

Submission:

Labcorp Genetics (formerly Invitae), Labcorp
Classification: Uncertain significance. Last evaluated: 2025-12-11. Review status: criteria provided, single submitter. Criteria: Invitae Variant Classification Sherloc (09022015). Collection method: clinical testing. Allele origin: germline.
Comment: This sequence change creates a premature translational stop signal (p.Gln382Aspfs*17) in the SIAE gene. It is expected to result in an absent or disrupted protein product. However, the current clinical and genetic evidence is not sufficient to establish whether loss-of-function variants in SIAE cause disease. This variant is present in population databases (rs746986659, gnomAD 0.01%). This variant has not been reported in the literature in individuals affected with SIAE-related conditions. ClinVar contains an entry for this variant (Variation ID: 1430034). In summary, the available evidence is currently insufficient to determine the role of this variant in disease. Therefore, it has been classified as a Variant of Uncertain Significance.

NM_170601.5(SIAE):c.1144_1145del (p.Gln382fs)

Gene: SIAE (sialic acid acetylesterase; minus strand). Cytogenetic location: 11q24.2.
Variant type: Deletion.
Coding change: c.1144_1145del on transcript NM_170601.5 (MANE Select); coding-DNA positions 1144 to 1145, 2 bases deleted (CA; older notation c.1144_1145delCA).
Protein change: p.Gln382fs; shifts the reading frame from glutamine 382.
Molecular consequence: frameshift variant.
Genome position (GRCh38, 1-based): chr11:124,638,717-124,638,718, TG deleted on the plus strand (CA on the coding strand, the reverse complement: SIAE is on the minus strand); deleting any 2 consecutive bases within chr11:124,638,717-124,638,719 gives the same sequence; the c. name uses the placement nearest the transcript's 3' end. VCF-style (leftmost placement, unchanged base first): chr11-124638716-CTG-C. GRCh37 (hg19) VCF-style: chr11-124508612-CTG-C.
Other names: c.1039_1040del, p.Gln347fs (NM_001199922.2); short protein forms Q382fs, Q347fs.
Identifiers: ClinVar variation 1430034 (VCV001430034.6), dbSNP rs746986659, ClinGen allele CA6341276.
Genomic context (GRCh38, chr11:124,638,716, plus strand): 5'-CAAATTCTTCTCACCATAAGCCAGAGCACGGGCCCCCAAATGCAGCCGATAAGCCACAGT[CTG>C]TTTATCTCGAGGGTGGATGCTACAGGATAAGGAACAAGTAGAGAACTTTGGGTTTAAGCT-3'